The following is an entry in ClinVar:

ClinVar aggregate classification (germline): Uncertain significance (1 of 4 stars; one submission).

Submission:

Ambry Genetics
Classification: Uncertain significance. Last evaluated: 2021-12-10. Review status: criteria provided, single submitter. Criteria: Ambry Variant Classification Scheme 2023. Collection method: clinical testing. Allele origin: germline.
Comment: The p.A249S variant (also known as c.745G>T), located in coding exon 9 of the NPAT gene, results from a G to T substitution at nucleotide position 745. The alanine at codon 249 is replaced by serine, an amino acid with similar properties. This amino acid position is conserved. In addition, this alteration is predicted to be tolerated by in silico analysis. Since supporting evidence is limited at this time, the clinical significance of this alteration remains unclear.

NM_002519.3(NPAT):c.745G>T (p.Ala249Ser)

Gene: NPAT (nuclear protein, coactivator of histone transcription; minus strand). Cytogenetic location: 11q22.3.
Variant type: single nucleotide variant.
Coding change: c.745G>T on transcript NM_002519.3 (MANE Select); coding-DNA position 745, G replaced by T.
Protein change: p.Ala249Ser; replaces alanine 249 with serine.
Molecular consequence: missense variant.
Genome position (GRCh38, 1-based): chr11:108,185,476, C>A on the plus strand (G>T on the coding strand, the complement: NPAT is on the minus strand). VCF-style: chr11-108185476-C-A. GRCh37 (hg19) VCF-style: chr11-108056203-C-A.
Other names: c.745G>T, p.Ala249Ser (NM_001321307.1); short protein forms A249S.
Identifiers: ClinVar variation 1759017 (VCV001759017.2), dbSNP rs2496738178, ClinGen allele CA382521364.